The following is an entry in ClinVar:

ClinVar aggregate classification (germline): Uncertain significance (1 of 4 stars; one submission).

Conditions:
Neurofibromatosis, type 1 (NF1). Also called: VON RECKLINGHAUSEN DISEASE; Neurofibromatosis, type I; NEUROFIBROMATOSIS, TYPE I, SOMATIC; Peripheral type neurofibromatosis. Identifiers: Orphanet 636, MedGen C0027831, MONDO:0018975, OMIM 162200. Disease mechanism: loss of function.

Submission:

Labcorp Genetics (formerly Invitae), Labcorp
Classification: Uncertain significance for Neurofibromatosis, type 1. Last evaluated: 2025-11-07. Review status: criteria provided, single submitter. Criteria: Invitae Variant Classification Sherloc (09022015). Collection method: clinical testing. Allele origin: germline.
Comment: This sequence change replaces alanine, which is neutral and non-polar, with valine, which is neutral and non-polar, at codon 1973 of the NF1 protein (p.Ala1973Val). This variant is not present in population databases (gnomAD no frequency). This variant has not been reported in the literature in individuals affected with NF1-related conditions. Invitae Evidence Modeling of protein sequence and biophysical properties (such as structural, functional, and spatial information, amino acid conservation, physicochemical variation, residue mobility, and thermodynamic stability) indicates that this missense variant is expected to disrupt NF1 protein function with a positive predictive value of 95%. In summary, the available evidence is currently insufficient to determine the role of this variant in disease. Therefore, it has been classified as a Variant of Uncertain Significance.

NM_001042492.3(NF1):c.5981C>T (p.Ala1994Val)

Gene: NF1 (neurofibromin 1; plus strand). Cytogenetic location: 17q11.2.
Variant type: single nucleotide variant.
Coding change: c.5981C>T on transcript NM_001042492.3 (MANE Select); coding-DNA position 5981, C replaced by T.
Protein change: p.Ala1994Val; replaces alanine 1994 with valine.
Molecular consequence: missense variant.
Genome position (GRCh38, 1-based): chr17:31,335,006, C>T. VCF-style: chr17-31335006-C-T. GRCh37 (hg19) VCF-style: chr17-29662024-C-T.
Other names: c.5918C>T, p.Ala1973Val (NM_000267.4); short protein forms A1973V, A1994V.
Identifiers: ClinVar variation 4762691 (VCV004762691.1).